The following is an entry in ClinVar:

NM_003907.3(EIF2B5):c.2093G>T (p.Arg698Leu)

Gene: EIF2B5 (eukaryotic translation initiation factor 2B subunit epsilon; plus strand). Cytogenetic location: 3q27.1.
Variant type: single nucleotide variant.
Coding change: c.2093G>T on transcript NM_003907.3 (MANE Select); coding-DNA position 2093, G replaced by T.
Protein change: p.Arg698Leu; replaces arginine 698 with leucine.
Molecular consequence: missense variant.
Genome position (GRCh38, 1-based): chr3:184,144,694, G>T. VCF-style: chr3-184144694-G-T. GRCh37 (hg19) VCF-style: chr3-183862482-G-T.
Other names: short protein forms R698L.
Identifiers: ClinVar variation 2089051 (VCV002089051.1), dbSNP rs543846542, ClinGen allele CA355395874.

ClinVar aggregate classification (germline): Uncertain significance (1 of 4 stars; one submission).

gnomAD v4.1: 3 of 1,613,730 alleles (0.00019%); highest among the groups gnomAD compares: Non-Finnish European, 0.00025%; no homozygotes.

Submission:

Labcorp Genetics (formerly Invitae), Labcorp
Classification: Uncertain significance. Last evaluated: 2022-08-02. Review status: criteria provided, single submitter. Criteria: Invitae Variant Classification Sherloc (09022015). Collection method: clinical testing. Allele origin: germline.
Comment: This sequence change replaces arginine, which is basic and polar, with leucine, which is neutral and non-polar, at codon 698 of the EIF2B5 protein (p.Arg698Leu). This variant is not present in population databases (gnomAD no frequency). This variant has not been reported in the literature in individuals affected with EIF2B5-related conditions. Advanced modeling of protein sequence and biophysical properties (such as structural, functional, and spatial information, amino acid conservation, physicochemical variation, residue mobility, and thermodynamic stability) performed at Invitae indicates that this missense variant is expected to disrupt EIF2B5 protein function. In summary, the available evidence is currently insufficient to determine the role of this variant in disease. Therefore, it has been classified as a Variant of Uncertain Significance.